The following is an entry in ClinVar:

ClinVar aggregate classification (germline): Uncertain significance (1 of 4 stars; one submission).

Submission:

ISCA site 17
Classification: Uncertain significance. Last evaluated: 2011-08-12. Review status: criteria provided, single submitter. Criteria: Kaminsky et al. (Genet Med. 2011). Collection method: clinical testing. Allele origin: unknown. Affected: yes. Observed: 1 variant allele.
Comment: Copy number variation identified through the course of routine clinical cytogenomic testing in postnatal populations. Clinical assertions have been curated as described in Kaminsky et al. 2011.

GRCh38/hg38 2q13-14.1(chr2:110684353-112308343)x3

Genes: ACOXL (acyl-CoA oxidase like; plus strand), ACOXL-AS1 (ACOXL antisense RNA 1; minus strand), ANAPC1 (anaphase promoting complex subunit 1; minus strand), BCL2L11 (BCL2 like 11; plus strand), FBLN7 (fibulin 7; plus strand) and 44 more. Cytogenetic location: 2q13-14.1.
Variant type: copy number gain.
Change: copy number 3 (three copies instead of two) of chr2:110,684,353-112,308,343 (1.62 Mb, GRCh38 coordinates, 1-based), cytogenetic band 2q13-14.1.
Identifiers: ClinVar variation 59324 (VCV000059324.1).